The following is an entry in ClinVar:

NM_006904.7(PRKDC):c.1054G>A (p.Val352Met)

Gene: PRKDC (protein kinase, DNA-activated, catalytic subunit; minus strand). Cytogenetic location: 8q11.21.
Variant type: single nucleotide variant.
Coding change: c.1054G>A on transcript NM_006904.7 (MANE Select); coding-DNA position 1054, G replaced by A.
Protein change: p.Val352Met; replaces valine 352 with methionine.
Molecular consequence: missense variant.
Genome position (GRCh38, 1-based): chr8:47,939,610, C>T on the plus strand (G>A on the coding strand, the complement: PRKDC is on the minus strand). VCF-style: chr8-47939610-C-T. GRCh37 (hg19) VCF-style: chr8-48852170-C-T.
Other names: c.1054G>A, p.Val352Met (NM_001081640.2); short protein forms V352M.
Identifiers: ClinVar variation 1014210 (VCV001014210.29), dbSNP rs772734060, ClinGen allele CA4741843.

ClinVar aggregate classification (germline): Conflicting classifications of pathogenicity. Review status: criteria provided, conflicting classifications (1 of 4 stars). 4 submissions from 4 submitters: Uncertain significance (3); Likely benign (1). Last evaluated 2025-08-03.

Conditions:
Severe combined immunodeficiency due to DNA-PKcs deficiency. Also called: IMMUNODEFICIENCY 26 WITH NEUROLOGIC ABNORMALITIES; Immunodeficiency 26 with or without neurologic abnormalities. Identifiers: Orphanet 317425, MedGen C4014833, MONDO:0014423, OMIM 615966.

Allele frequency attached by ClinVar (database versions not stated): ExAC 0.00002; gnomAD exomes 0.00003 and 0.00005; gnomAD 0.00004 and 0.00005; TOPMed 0.00009.
gnomAD v4.1: 71 of 1,613,532 alleles (0.0044%); highest among the groups gnomAD compares: African/African-American, 0.025%; no homozygotes.

Submissions (4):

Ambry Genetics
Classification: Likely benign. Last evaluated: 2025-08-03. Review status: criteria provided, single submitter. Criteria: Ambry Variant Classification Scheme 2023. Collection method: clinical testing. Allele origin: germline.

CeGaT Center for Human Genetics Tuebingen
Classification: Uncertain significance. Last evaluated: 2023-11-01. Review status: criteria provided, single submitter. Criteria: CeGaT Center For Human Genetics Tuebingen Variant Classification Criteria Version 2. Collection method: clinical testing. Allele origin: germline. Affected: yes. Observed: 1 variant allele.
Comment: PRKDC: PM2, BP4

Labcorp Genetics (formerly Invitae), Labcorp
Classification: Uncertain significance for Severe combined immunodeficiency due to DNA-PKcs deficiency. Last evaluated: 2021-08-28. Review status: criteria provided, single submitter. Criteria: Invitae Variant Classification Sherloc (09022015). Collection method: clinical testing. Allele origin: germline.

Baylor Genetics
Classification: Uncertain significance for Severe combined immunodeficiency due to DNA-PKcs deficiency. Last evaluated: 2018-04-19. Review status: criteria provided, single submitter. Criteria: ACMG Guidelines, 2015. Collection method: clinical testing. Allele origin: unknown. Affected: yes.
Comment: This variant was determined to be of uncertain significance according to ACMG Guidelines, 2015 [PMID:25741868].